The following is an entry in ClinVar:

ClinVar aggregate classification (germline): Likely benign (1 of 4 stars; one submission).

Conditions:
CSF2RA-related disorder. Also called: CSF2RA-related condition.

gnomAD v4.1: 49 of 1,613,016 alleles (0.003%); highest among the groups gnomAD compares: African/African-American, 0.063%; no homozygotes.

Submission:

PreventionGenetics, part of Exact Sciences
Classification: Likely benign for CSF2RA-related condition. Last evaluated: 2026-04-11. Review status: criteria provided, single submitter. Criteria: ACMG Guidelines, 2015. Collection method: clinical testing. Allele origin: germline.
Comment: This variant is classified as likely benign based on ACMG/AMP sequence variant interpretation guidelines (Richards et al. 2015 PMID: 25741868, with internal and published modifications).

NM_172245.4(CSF2RA):c.1125+105G>T

Gene: CSF2RA (colony stimulating factor 2 receptor subunit alpha; plus strand). Cytogenetic location: Xp22.33.
Variant type: single nucleotide variant.
Coding change: c.1125+105G>T on transcript NM_172245.4 (MANE Select); 105 bases into the intron after coding-DNA position 1125, G replaced by T.
Molecular consequence: intron variant. On other transcripts: missense variant (2).
Genome position (GRCh38, 1-based): chrX:1,305,632, G>T. VCF-style: chrX-1305632-G-T. GRCh37 (hg19) VCF-style: chrX-1424525-G-T.
Other names: c.1130G>T, p.Gly377Val (NM_001161531.2, NM_001379155.1); c.1125+105G>T (NM_001379163.1, NM_001379159.1, NM_001379162.1 and 7 more transcripts); c.*26+105G>T (NM_001379167.1, NM_001379169.1, NM_172249.4 and 2 more transcripts); c.1227+105G>T (NM_001379154.1, NM_001161530.2, NM_001379153.1); c.947-3770G>T (NM_172246.4); c.1095+105G>T (NM_001379160.1); c.936+105G>T (NM_001379166.1); c.726+105G>T (NM_001161532.2); short protein forms G377V.
Identifiers: ClinVar variation 4989610 (VCV004989610.1).